The following is an entry in ClinVar:

ClinVar aggregate classification (germline): Uncertain significance. Review status: criteria provided, multiple submitters, no conflicts (2 of 4 stars). 2 submissions from 2 submitters: Uncertain significance (2). Last evaluated 2023-10-06.

Conditions:
Cardiomyopathy (CMYO). Also called: Cardiomyopathies. Identifiers: Orphanet 167848, MedGen C0878544, MONDO:0004994, HP:0001638. Inheritance: Various modes of inheritance.
Catecholaminergic polymorphic ventricular tachycardia (CVPT). Also called: Catecholamine-induced polymorphic ventricular tachycardia. Identifiers: Orphanet 3286, MedGen C5574922, MONDO:0017990.

Allele frequency attached by ClinVar (database versions not stated): gnomAD exomes below 0.00001; TOPMed 0.00002.
gnomAD v4.1: 2 of 1,596,850 alleles (0.00013%); highest among the groups gnomAD compares: East Asian, 0.0023%; no homozygotes.

Submissions (2):

All of Us Research Program, National Institutes of Health
Classification: Uncertain significance for Catecholaminergic polymorphic ventricular tachycardia. Last evaluated: 2023-10-06. Review status: criteria provided, single submitter. Criteria: ACMG Guidelines, 2015. Collection method: clinical testing. Allele origin: germline. Inheritance: Autosomal dominant inheritance. Observed: 1 variant allele, 1 heterozygote.
Comment: This missense variant replaces aspartic acid with glycine at codon 1048 of the RYR2 protein. Computational prediction is inconclusive regarding the impact of this variant on protein structure and function (internally defined REVEL score threshold 0.5 < inconclusive < 0.7, PMID: 27666373). To our knowledge, functional studies have not been reported for this variant. This variant has been reported in an individual affected with atrioventricular nodal reentrant tachycardia (PMID: 32508047). This variant has been identified in 2/219470 chromosomes in the general population by the Genome Aggregation Database (gnomAD). The available evidence is insufficient to determine the role of this variant in disease conclusively. Therefore, this variant is classified as a Variant of Uncertain Significance.

This study involves interpretation of variants in research participants for the purpose of population health screening. Participant phenotype was not available at the time of variant classification. Additional details can be found in publication PMID: 35346344, PMCID: PMC8962531

Color Diagnostics, LLC DBA Color Health
Classification: Uncertain significance for Cardiomyopathy. Last evaluated: 2023-09-28. Review status: criteria provided, single submitter. Criteria: ACMG Guidelines, 2015. Collection method: clinical testing. Allele origin: germline.
Comment: This missense variant replaces aspartic acid with glycine at codon 1048 of the RYR2 protein. Computational prediction is inconclusive regarding the impact of this variant on protein structure and function (internally defined REVEL score threshold 0.5 < inconclusive < 0.7, PMID: 27666373). To our knowledge, functional studies have not been reported for this variant. This variant has been reported in an individual affected with atrioventricular nodal reentrant tachycardia (PMID: 32508047). This variant has been identified in 2/219470 chromosomes in the general population by the Genome Aggregation Database (gnomAD). The available evidence is insufficient to determine the role of this variant in disease conclusively. Therefore, this variant is classified as a Variant of Uncertain Significance.

Literature cited by the submitters: PubMed 32508047 (cited by All of Us Research Program, National Institutes of Health and Color Diagnostics, LLC DBA Color Health).

NM_001035.3(RYR2):c.3143A>G (p.Asp1048Gly)

Gene: RYR2 (ryanodine receptor 2; plus strand). Cytogenetic location: 1q43.
Variant type: single nucleotide variant.
Coding change: c.3143A>G on transcript NM_001035.3 (MANE Select); coding-DNA position 3143, A replaced by G.
Protein change: p.Asp1048Gly; replaces aspartic acid 1048 with glycine.
Molecular consequence: missense variant.
Genome position (GRCh38, 1-based): chr1:237,550,620, A>G. VCF-style: chr1-237550620-A-G. GRCh37 (hg19) VCF-style: chr1-237713920-A-G.
Other names: short protein forms D1048G.
Identifiers: ClinVar variation 2774278 (VCV002774278.3), dbSNP rs1243096520, ClinGen allele CA345394912.